The following is an entry in ClinVar:

ClinVar aggregate classification (germline): Uncertain significance (1 of 4 stars; one submission).

Submission:

Ambry Genetics
Classification: Uncertain significance. Last evaluated: 2023-03-02. Review status: criteria provided, single submitter. Criteria: Ambry Variant Classification Scheme 2023. Collection method: clinical testing. Allele origin: germline.
Comment: The p.N57T variant (also known as c.170A>C), located in coding exon 1 of the MLH3 gene, results from an A to C substitution at nucleotide position 170. The asparagine at codon 57 is replaced by threonine, an amino acid with similar properties. This amino acid position is conserved. In addition, this alteration is predicted to be deleterious by in silico analysis. Since supporting evidence is limited at this time, the clinical significance of this alteration remains unclear.

NM_001040108.2(MLH3):c.170A>C (p.Asn57Thr)

Gene: MLH3 (mutL homolog 3; minus strand). Cytogenetic location: 14q24.3.
Variant type: single nucleotide variant.
Coding change: c.170A>C on transcript NM_001040108.2 (MANE Select); coding-DNA position 170, A replaced by C.
Protein change: p.Asn57Thr; replaces asparagine 57 with threonine.
Molecular consequence: missense variant.
Genome position (GRCh38, 1-based): chr14:75,049,486, T>G on the plus strand (A>C on the coding strand, the complement: MLH3 is on the minus strand). VCF-style: chr14-75049486-T-G. GRCh37 (hg19) VCF-style: chr14-75516189-T-G.
Other names: c.170A>C, p.Asn57Thr (NM_014381.3); short protein forms N57T.
Identifiers: ClinVar variation 2448678 (VCV002448678.2), dbSNP rs376748258, ClinGen allele CA390451431.
Genomic context (GRCh38, chr14:75,049,486, plus strand): 5'-TTACTGGTGAAATAACGATTTCCCACTTTCTCTACATCATCACTCCCCATCCCAAATCCA[T>G]TGTCTATCACTTGAACTTGGAAGGTTTCCATATTCACCCTGACAGCCACACATTTTGCTT-3'
Protein context (NP_001035197.1, residues 47-67): METFQVQVID[Asn57Thr]GFGMGSDDVE